The following is an entry in ClinVar:

ClinVar aggregate classification (germline): Uncertain significance (1 of 4 stars; one submission).

Conditions:
Generalized epilepsy-paroxysmal dyskinesia syndrome (PNKD3). Also called: Generalized epilepsy and paroxysmal dyskinesia; Paroxysmal nonkinesigenic dyskinesia, 3, with or without generalized epilepsy. Identifiers: Orphanet 79137, MedGen C5574945, MONDO:0012276, OMIM 609446.

Submission:

Labcorp Genetics (formerly Invitae), Labcorp
Classification: Uncertain significance for Generalized epilepsy-paroxysmal dyskinesia syndrome. Last evaluated: 2025-08-25. Review status: criteria provided, single submitter. Criteria: Invitae Variant Classification Sherloc (09022015). Collection method: clinical testing. Allele origin: germline.
Comment: This variant, c.28_30del, results in the deletion of 1 amino acid(s) of the KCNMA1 protein (p.Gly10del), but otherwise preserves the integrity of the reading frame. The frequency data for this variant in the population databases is considered unreliable, as metrics indicate poor data quality at this position in the gnomAD database. This variant has not been reported in the literature in individuals affected with KCNMA1-related conditions. ClinVar contains an entry for this variant (Variation ID: 657122). Experimental studies and prediction algorithms are not available or were not evaluated, and the functional significance of this variant is currently unknown. In summary, the available evidence is currently insufficient to determine the role of this variant in disease. Therefore, it has been classified as a Variant of Uncertain Significance.

NM_001161352.2(KCNMA1):c.13GGC[5] (p.Gly10del)

Gene: KCNMA1 (potassium calcium-activated channel subfamily M alpha 1; minus strand). Cytogenetic location: 10q22.3.
Variant type: Microsatellite.
Coding change: c.13GGC[5] on transcript NM_001161352.2 (MANE Select); five copies in a row of the 3-base unit GGC starting at c.13; the reference has six copies in a row; one copy, 3 bases deleted.
Protein change: p.Gly10del; deletes glycine 10.
Molecular consequence: inframe deletion.
Genome position (GRCh38, 1-based): chr10:77,637,613-77,637,615, GCC deleted on the plus strand (GGC on the coding strand, the reverse complement: KCNMA1 is on the minus strand); deleting any 3 consecutive bases within chr10:77,637,613-77,637,630 gives the same sequence; the position shown is the placement nearest the transcript's 3' end. VCF-style (leftmost placement, unchanged base first): chr10-77637612-TGCC-T. GRCh37 (hg19) VCF-style: chr10-79397370-TGCC-T.
Other names: c.13GGC[5], p.Gly10del (NM_001322830.2, NM_001322832.2, NM_001014797.3 and 12 more transcripts); c.28_30del (NM_002247.3); short protein forms G10del.
Identifiers: ClinVar variation 657122 (VCV000657122.11), dbSNP rs750804948, ClinGen allele CA5568826.